The following is an entry in ClinVar:

ClinVar aggregate classification (germline): Uncertain significance (1 of 4 stars; one submission).

gnomAD v4.1: 1 of 1,614,142 alleles (0.000062%); highest among the groups gnomAD compares: Admixed American, 0.0017%; no homozygotes.

Submission:

Labcorp Genetics (formerly Invitae), Labcorp
Classification: Uncertain significance. Last evaluated: 2024-02-18. Review status: criteria provided, single submitter. Criteria: Invitae Variant Classification Sherloc (09022015). Collection method: clinical testing. Allele origin: germline.
Comment: This sequence change replaces glutamine, which is neutral and polar, with arginine, which is basic and polar, at codon 244 of the HNF1B protein (p.Gln244Arg). This variant is present in population databases (no rsID available, gnomAD 0.003%). This missense change has been observed in individual(s) with dyslipidemia (PMID: 32041611). Advanced modeling of protein sequence and biophysical properties (such as structural, functional, and spatial information, amino acid conservation, physicochemical variation, residue mobility, and thermodynamic stability) performed at Invitae indicates that this missense variant is not expected to disrupt HNF1B protein function with a negative predictive value of 80%. In summary, the available evidence is currently insufficient to determine the role of this variant in disease. Therefore, it has been classified as a Variant of Uncertain Significance.

Literature cited by the submitters: PubMed 32041611.

NM_000458.4(HNF1B):c.731A>G (p.Gln244Arg)

Genes: HNF1B (HNF1 homeobox B; minus strand), LOC126862549 (BRD4-independent group 4 enhancer GRCh37_chr17:36093401-36094600; plus strand). Cytogenetic location: 17q12.
Variant type: single nucleotide variant.
Coding change: c.731A>G on transcript NM_000458.4 (MANE Select); coding-DNA position 731, A replaced by G.
Protein change: p.Gln244Arg; replaces glutamine 244 with arginine.
Molecular consequence: missense variant.
Genome position (GRCh38, 1-based): chr17:37,733,635, T>C on the plus strand (A>G on the coding strand, the complement: HNF1B is on the minus strand). VCF-style: chr17-37733635-T-C. GRCh37 (hg19) VCF-style: chr17-36093628-T-C.
Other names: c.653A>G, p.Gln218Arg (NM_001165923.4, NM_001304286.2); c.731A>G, p.Gln244Arg (NM_001411100.1); short protein forms Q218R, Q244R.
Identifiers: ClinVar variation 3696913 (VCV003696913.1).